The following is an entry in ClinVar:

ClinVar aggregate classification (germline): Benign (1 of 4 stars; one submission).

Conditions:
Joubert syndrome 15 (JBTS15). Identifiers: Orphanet 475, MedGen C3280897, MONDO:0013763, OMIM 614464.

Allele frequency attached by ClinVar (database versions not stated): 1000 Genomes Project 30x 0.00547; 1000 Genomes Project 0.00559; TOPMed 0.01112; gnomAD 0.01276; gnomAD exomes 0.01451 and 0.01524; ExAC 0.02072.
gnomAD v4.1: 6,548 of 454,110 alleles (1.4%); highest among the groups gnomAD compares: Middle Eastern, 2.7%; 86 homozygotes.

Submission:

Illumina Laboratory Services, Illumina
Classification: Benign for Joubert syndrome 15. Last evaluated: 2018-01-13. Review status: criteria provided, single submitter. Criteria: ICSL Variant Classification Criteria 13 December 2019. Collection method: clinical testing. Allele origin: germline.
Comment: This variant was observed in the ICSL laboratory as part of a predisposition screen in an ostensibly healthy population. It had not been previously curated by ICSL or reported in the Human Gene Mutation Database (HGMD: prior to June 1st, 2018), and was therefore a candidate for classification through an automated scoring system. Utilizing variant allele frequency, disease prevalence and penetrance estimates, and inheritance mode, an automated score was calculated to assess if this variant is too frequent to cause the disease. Based on the score and internal cut-off values, a variant classified as benign is not then subjected to further curation. The score for this variant resulted in a classification of benign for this disease.

NM_018718.3(CEP41):c.*3765G>T

Gene: CEP41 (centrosomal protein 41; minus strand). Cytogenetic location: 7q32.2.
Variant type: single nucleotide variant.
Coding change: c.*3765G>T on transcript NM_018718.3 (MANE Select); 3765 bases downstream of the stop codon, G replaced by T.
Molecular consequence: 3 prime UTR variant. On other transcripts: non-coding transcript variant (1).
Genome position (GRCh38, 1-based): chr7:130,395,126, C>A on the plus strand (G>T on the coding strand, the complement: CEP41 is on the minus strand). VCF-style: chr7-130395126-C-A. GRCh37 (hg19) VCF-style: chr7-130034967-C-A.
Other names: c.*3765G>T (NM_001257158.2, NM_001257159.2).
Identifiers: ClinVar variation 358903 (VCV000358903.5), dbSNP rs138768326, ClinGen allele CA4485156.
Genomic context (GRCh38, chr7:130,395,126, plus strand): 5'-TCCTGTTCTGCCTGAATTCAAGGCTGACAAATTTCCACCATTACATTTTTTATGTTGTAA[C>A]TGACCTGTGTATCCATTTAAAGATGTCATAATAATAATTTCAATAATTATTGTAAATCTA-3'